The following is an entry in ClinVar:

ClinVar aggregate classification (germline): Conflicting classifications of pathogenicity. Review status: criteria provided, conflicting classifications (1 of 4 stars). 4 submissions from 4 submitters: Uncertain significance (2); Likely benign (1). 1 of the submissions does not count toward it. Last evaluated 2025-10-08.

Conditions:
ITGA3-related disorder. Also called: ITGA3-related condition.
Epidermolysis bullosa, junctional 7, with interstitial lung disease and nephrotic syndrome. Also called: Interstitial Lung Disease with Nephrotic Syndrome and Epidermolysis Bullosa; Interstitial lung disease, nephrotic syndrome, and epidermolysis bullosa, congenital. Identifiers: Orphanet 306504, MedGen C4518785, MONDO:0013881, OMIM 614748.

Allele frequency attached by ClinVar (database versions not stated): gnomAD exomes 0.00009 and 0.00025; 1000 Genomes Project 0.00080; gnomAD 0.00099 and 0.00113; ExAC 0.00022; 1000 Genomes Project 30x 0.00062; ESP Exome Variant Server 0.00069; TOPMed 0.00128.
gnomAD v4.1: 299 of 1,613,188 alleles (0.019%); highest among the groups gnomAD compares: African/African-American, 0.34%; no homozygotes.

Submissions (4):

Labcorp Genetics (formerly Invitae), Labcorp
Classification: Likely benign. Last evaluated: 2025-10-08. Review status: criteria provided, single submitter. Criteria: Invitae Variant Classification Sherloc (09022015). Collection method: clinical testing. Allele origin: germline.

Clinical Genomics Laboratory, Washington University in St. Louis
Classification: Uncertain significance for Epidermolysis bullosa, junctional 7, with interstitial lung disease and nephrotic syndrome. Last evaluated: 2024-05-26. Review status: criteria provided, single submitter. Criteria: ACMG Guidelines, 2015. Collection method: clinical testing. Allele origin: germline.
Comment: A ITGA3 c.1829A>C (p.Gln610Pro) variant was identified. This variant has been identified in a heterozygote state in an individual with epidermolysis bullosa and reported as a variant of uncertain significance. (Lucky AW et al., PMID: 29334134). The ITGA3 c.1829A>C (p.Gln610Pro) variant is observed on 105/279,180 alleles in the general population (gnomAD v.2.1.1) and been reported in the ClinVar database as a likely benign by two submitters (ClinVar ID: 770642). Computational predictors suggest that the variant does not impact ITGA3 function. Due to limited information, and based on ACMG/AMP guidelines for variant interpretation (Richards S et al., PMID: 25741868), the clinical significance of this variant is uncertain at this time.

GeneDx
Classification: Uncertain significance. Last evaluated: 2023-12-12. Review status: criteria provided, single submitter. Criteria: GeneDx Variant Classification Process June 2021. Collection method: clinical testing. Allele origin: germline. Affected: yes.
Comment: Observed in a patient with junctional epidermolysis bullosa in published literature, although this individual was found to have variants in other genes associated with and likely responsible for the phenotype (PMID: 29334134); In silico analysis supports that this missense variant has a deleterious effect on protein structure/function; In silico analysis is inconclusive as to whether the variant alters gene splicing. In the absence of RNA/functional studies, the actual effect of this sequence change is unknown.; This variant is associated with the following publications: (PMID: 29334134)

PreventionGenetics, part of Exact Sciences
Classification: Likely benign for ITGA3-related condition. Last evaluated: 2022-04-02. Review status: no assertion criteria provided. Collection method: clinical testing. Allele origin: germline. Not counted in ClinVar's aggregate classification.
Comment: This variant is classified as likely benign based on ACMG/AMP sequence variant interpretation guidelines (Richards et al. 2015 PMID: 25741868, with internal and published modifications).

NM_002204.4(ITGA3):c.1829A>C (p.Gln610Pro)

Gene: ITGA3 (integrin subunit alpha 3; plus strand). Cytogenetic location: 17q21.33.
Variant type: single nucleotide variant.
Coding change: c.1829A>C on transcript NM_002204.4 (MANE Select); coding-DNA position 1829, A replaced by C.
Protein change: p.Gln610Pro; replaces glutamine 610 with proline.
Molecular consequence: missense variant.
Genome position (GRCh38, 1-based): chr17:50,076,588, A>C. VCF-style: chr17-50076588-A-C. GRCh37 (hg19) VCF-style: chr17-48153952-A-C.
Other names: c.1829A>C (NM_002204.2); short protein forms Q610P.
Identifiers: ClinVar variation 770642 (VCV000770642.13), dbSNP rs143785911, ClinGen allele CA8641726.